The following is an entry in ClinVar:

ClinVar aggregate classification (germline): Pathogenic (1 of 4 stars; one submission).

Conditions:
X-linked agammaglobulinemia with growth hormone deficiency (IGHD3). Also called: Isolated growth hormone deficiency type 3; Growth hormone deficiency with hypogammaglobulinemia; AGAMMAGLOBULINEMIA AND ISOLATED GROWTH HORMONE DEFICIENCY, X-LINKED; FLEISHER SYNDROME; HYPOGAMMAGLOBULINEMIA AND ISOLATED GROWTH HORMONE DEFICIENCY, X-LINKED; IGHD III. Identifiers: Orphanet 231692, Orphanet 631, MedGen C0472813, MONDO:0010615, OMIM 307200.

Submission:

Labcorp Genetics (formerly Invitae), Labcorp
Classification: Pathogenic for X-linked agammaglobulinemia with growth hormone deficiency. Last evaluated: 2024-12-29. Review status: criteria provided, single submitter. Criteria: Invitae Variant Classification Sherloc (09022015). Collection method: clinical testing. Allele origin: germline.
Comment: This sequence change creates a premature translational stop signal (p.Gln127Leufs*7) in the BTK gene. It is expected to result in an absent or disrupted protein product. Loss-of-function variants in BTK are known to be pathogenic (PMID: 15661032, 16862044, 19419768). This variant is not present in population databases (gnomAD no frequency). This variant has not been reported in the literature in individuals affected with BTK-related conditions. For these reasons, this variant has been classified as Pathogenic.

Literature cited by the submitters: PubMed 15661032; PubMed 16862044; PubMed 19419768.

NM_000061.3(BTK):c.375_379dup (p.Gln127fs)

Gene: BTK (Bruton tyrosine kinase; minus strand). Cytogenetic location: Xq22.1.
Variant type: Duplication.
Coding change: c.375_379dup on transcript NM_000061.3 (MANE Select); coding-DNA positions 375 to 379, 5 bases duplicated (TCACC; older notation c.375_379dupTCACC).
Protein change: p.Gln127fs; shifts the reading frame from glutamine 127.
Molecular consequence: frameshift variant.
Genome position (GRCh38, 1-based): chrX:101,370,010-101,370,014, GGTGA duplicated on the plus strand (TCACC on the coding strand, the reverse complement: BTK is on the minus strand). VCF-style (leftmost placement, unchanged base first): chrX-101370009-T-TGGTGA. GRCh37 (hg19) VCF-style: chrX-100624997-T-TGGTGA.
Other names: c.477_481dup, p.Gln161fs (NM_001287344.2); c.375_379dup, p.Gln127fs (NM_001287345.2); short protein forms Q127fs, Q161fs.
Identifiers: ClinVar variation 3728216 (VCV003728216.2).